The following is an entry in ClinVar:

ClinVar aggregate classification (germline): Uncertain significance. Review status: criteria provided, multiple submitters, no conflicts (2 of 4 stars). 2 submissions from 2 submitters: Uncertain significance (2). Last evaluated 2024-12-10.

Conditions:
Inborn genetic diseases. Identifiers: MedGen C0950123, MeSH D030342.

Allele frequency attached by ClinVar (database versions not stated): TOPMed 0.00003; gnomAD exomes 0.00007; gnomAD 0.00008; ExAC 0.00013; 1000 Genomes Project 30x 0.00031; 1000 Genomes Project 0.00040.

Submissions (2):

Ambry Genetics
Classification: Uncertain significance for Inborn genetic diseases. Last evaluated: 2024-12-10. Review status: criteria provided, single submitter. Criteria: Ambry Variant Classification Scheme 2023. Collection method: clinical testing. Allele origin: germline.

Labcorp Genetics (formerly Invitae), Labcorp
Classification: Uncertain significance. Last evaluated: 2022-10-07. Review status: criteria provided, single submitter. Criteria: Invitae Variant Classification Sherloc (09022015). Collection method: clinical testing. Allele origin: germline.
Comment: This sequence change replaces arginine, which is basic and polar, with histidine, which is basic and polar, at codon 386 of the GHR protein (p.Arg386His). This variant is present in population databases (rs180778998, gnomAD 0.05%). This variant has not been reported in the literature in individuals affected with GHR-related conditions. Advanced modeling of protein sequence and biophysical properties (such as structural, functional, and spatial information, amino acid conservation, physicochemical variation, residue mobility, and thermodynamic stability) performed at Invitae indicates that this missense variant is not expected to disrupt GHR protein function. In summary, the available evidence is currently insufficient to determine the role of this variant in disease. Therefore, it has been classified as a Variant of Uncertain Significance.

NM_000163.5(GHR):c.1157G>A (p.Arg386His)

Gene: GHR (growth hormone receptor; plus strand). Cytogenetic location: 5p12.
Variant type: single nucleotide variant.
Coding change: c.1157G>A on transcript NM_000163.5 (MANE Select); coding-DNA position 1157, G replaced by A.
Protein change: p.Arg386His; replaces arginine 386 with histidine.
Molecular consequence: missense variant. On other transcripts: 3 prime UTR variant (1).
Genome position (GRCh38, 1-based): chr5:42,718,664, G>A. VCF-style: chr5-42718664-G-A. GRCh37 (hg19) VCF-style: chr5-42718766-G-A.
Other names: c.1178G>A, p.Arg393His (NM_001242399.2); c.1157G>A, p.Arg386His (NM_001242400.2, NM_001242401.4, NM_001242402.2 and 4 more transcripts); c.1091G>A, p.Arg364His (NM_001242460.2); c.*199G>A (NM_001242462.1); short protein forms R393H, R364H, R386H.
Identifiers: ClinVar variation 1931132 (VCV001931132.4), dbSNP rs180778998, ClinGen allele CA3254606.
Genomic context (GRCh38, chr5:42,718,664, plus strand): 5'-TAAGCAGTGACCATGAGAAATCACATAGTAACCTAGGGGTGAAGGATGGCGACTCTGGAC[G>A]TACCAGCTGTTGTGAACCTGACATTCTGGAGACTGATTTCAATGCCAATGACATACATGA-3'
Protein context (NP_000154.1, residues 376-396): NLGVKDGDSG[Arg386His]TSCCEPDILE